The following is an entry in ClinVar:

ClinVar aggregate classification (germline): Uncertain significance (1 of 4 stars; one submission).

Conditions:
TTN-related disorder. Also called: TTN-related disorders; TTN-related condition; TTN-related disease.

gnomAD v4.1: 4 of 1,612,584 alleles (0.00025%); highest among the groups gnomAD compares: Non-Finnish European, 0.00034%; no homozygotes.

Submission:

PreventionGenetics, part of Exact Sciences
Classification: Uncertain significance for TTN-related condition. Last evaluated: 2026-06-10. Review status: criteria provided, single submitter. Criteria: ACMG Guidelines, 2015. Collection method: clinical testing. Allele origin: germline.
Comment: The TTN c.49763T>C variant is predicted to result in the amino acid substitution p.Ile16588Thr. To our knowledge, this variant has not been reported in the literature. This variant is reported in 0.0065% of alleles in individuals of European (Non-Finnish) descent in gnomAD. At this time, the clinical significance of this variant is uncertain due to the absence of conclusive functional and genetic evidence.

NM_001267550.2(TTN):c.49763T>C (p.Ile16588Thr)

Genes: TTN (titin; minus strand), TTN-AS1 (TTN antisense RNA 1; plus strand). Cytogenetic location: 2q31.2.
Variant type: single nucleotide variant.
Coding change: c.49763T>C on transcript NM_001267550.2 (MANE Select); coding-DNA position 49763, T replaced by C.
Protein change: p.Ile16588Thr; replaces isoleucine 16588 with threonine.
Molecular consequence: missense variant.
Genome position (GRCh38, 1-based): chr2:178,612,958, A>G on the plus strand (T>C on the coding strand, the complement: TTN is on the minus strand). VCF-style: chr2-178612958-A-G. GRCh37 (hg19) VCF-style: chr2-179477685-A-G.
Other names: c.44840T>C, p.Ile14947Thr (NM_001256850.1); c.22568T>C, p.Ile7523Thr (NM_003319.4); c.42059T>C, p.Ile14020Thr (NM_133378.4); c.22943T>C, p.Ile7648Thr (NM_133432.3); c.23144T>C, p.Ile7715Thr (NM_133437.4); short protein forms I16588T, I7523T, I7715T, I14020T, I14947T, I7648T.
Identifiers: ClinVar variation 4987301 (VCV004987301.1).
Genomic context (GRCh38, chr2:178,612,958, plus strand): 5'-GTGGTGGGAACCCCTTCCGCCACTCTGACCCACTCATCTGTTCCAGTCTTCAGCATTTCA[A>G]TGACATAAGACTCAATCTTTGCACCTCCATCATGTTCTGGTTTTGTCCAATTCAACCTTA-3'
Protein context (NP_001254479.2, residues 16578-16598): DGGAKIESYV[Ile16588Thr]EMLKTGTDEW